The following is an entry in ClinVar:

NM_004004.6(GJB2):c.292C>T (p.Arg98Trp)

Gene: GJB2 (gap junction protein beta 2; minus strand). Cytogenetic location: 13q12.11.
Variant type: single nucleotide variant.
Coding change: c.292C>T on transcript NM_004004.6 (MANE Select); coding-DNA position 292, C replaced by T.
Protein change: p.Arg98Trp; replaces arginine 98 with tryptophan.
Molecular consequence: missense variant.
Genome position (GRCh38, 1-based): chr13:20,189,290, G>A on the plus strand (C>T on the coding strand, the complement: GJB2 is on the minus strand). VCF-style: chr13-20189290-G-A. GRCh37 (hg19) VCF-style: chr13-20763429-G-A.
Other names: short protein forms R98W.
Identifiers: ClinVar variation 3769787 (VCV003769787.2).

ClinVar aggregate classification (germline): Uncertain significance. Review status: criteria provided, multiple submitters, no conflicts (2 of 4 stars). 2 submissions from 2 submitters: Uncertain significance (2). Last evaluated 2025-07-28.

Conditions:
Nonsyndromic genetic hearing loss. Also called: Nonsyndromic hearing loss and deafness; Nonsyndromic genetic deafness; Non-syndromic genetic deafness. Identifiers: Orphanet 87884, MedGen C5680182, MONDO:0019497.

gnomAD v4.1: 23 of 1,613,864 alleles (0.0014%); highest among the groups gnomAD compares: African/African-American, 0.004%; no homozygotes.

Submissions (2):

Myriad Genetics, Inc.
Classification: Uncertain significance for Nonsyndromic genetic hearing loss. Last evaluated: 2025-07-28. Review status: criteria provided, single submitter. Criteria: Myriad Autosomal Dominant, Autosomal Recessive and X-Linked Classification Criteria (2023). Collection method: clinical testing. Allele origin: unknown.
Comment: NM_004004.5(GJB2):c.292C>T(R98W) is a missense variant classified as a variant of uncertain significance in the context of nonsyndromic hearing loss, GJB2-related. R98W has been observed in cases with relevant disease (PMID: 22321824, 37561809, Jaradat_2016_(Article), 38397306). Relevant functional assessments of this variant are not available in the literature. R98W has been observed in referenced population frequency databases. In summary, there is insufficient evidence to classify NM_004004.5(GJB2):c.292C>T(R98W) as pathogenic or benign. Please note: this variant was assessed in the context of healthy population screening.

GeneDx
Classification: Uncertain significance. Last evaluated: 2024-09-11. Review status: criteria provided, single submitter. Criteria: GeneDx Variant Classification Process June 2021. Collection method: clinical testing. Allele origin: germline. Affected: yes.
Comment: Identified with a second GJB2 variant in a patient with postlingual sensorineural hearing loss in published literature (PMID: 22321824); In silico analysis supports that this missense variant has a deleterious effect on protein structure/function; This variant is associated with the following publications: (PMID: 34426522, 39182490, 37561809, Jaradat_2016_article, 36048236, 22321824)